The following is an entry in ClinVar:

NM_001253697.2(ERBIN):c.3003C>A (p.Asp1001Glu)

Gene: ERBIN (erbb2 interacting protein; plus strand). Cytogenetic location: 5q12.3.
Variant type: single nucleotide variant.
Coding change: c.3003C>A on transcript NM_001253697.2 (MANE Select); coding-DNA position 3003, C replaced by A.
Protein change: p.Asp1001Glu; replaces aspartic acid 1001 with glutamic acid.
Molecular consequence: missense variant.
Genome position (GRCh38, 1-based): chr5:66,054,321, C>A. VCF-style: chr5-66054321-C-A. GRCh37 (hg19) VCF-style: chr5-65350149-C-A.
Other names: c.3003C>A, p.Asp1001Glu (NM_001253699.2, NM_018695.4, NM_001006600.3 and 1 more transcripts); c.2991C>A, p.Asp997Glu (NM_001253701.2); short protein forms D1001E, D997E.
Identifiers: ClinVar variation 3685224 (VCV003685224.2).

ClinVar aggregate classification (germline): Uncertain significance (1 of 4 stars; one submission).

gnomAD v4.1: 1 of 1,614,174 alleles (0.000062%); highest among the groups gnomAD compares: Non-Finnish European, 0.000085%; no homozygotes.

Submission:

Labcorp Genetics (formerly Invitae), Labcorp
Classification: Uncertain significance. Last evaluated: 2025-01-14. Review status: criteria provided, single submitter. Criteria: Invitae Variant Classification Sherloc (09022015). Collection method: clinical testing. Allele origin: germline.
Comment: This sequence change replaces aspartic acid, which is acidic and polar, with glutamic acid, which is acidic and polar, at codon 1001 of the ERBIN protein (p.Asp1001Glu). This variant is present in population databases (rs757540138, gnomAD no frequency). This variant has not been reported in the literature in individuals affected with ERBIN-related conditions. An algorithm developed to predict the effect of missense changes on protein structure and function (PolyPhen-2) suggests that this variant is likely to be tolerated. In summary, the available evidence is currently insufficient to determine the role of this variant in disease. Therefore, it has been classified as a Variant of Uncertain Significance.